The following is an entry in ClinVar:

ClinVar aggregate classification (germline): Uncertain significance (1 of 4 stars; one submission).

Conditions:
Malignant hyperthermia, susceptibility to, 1 (MHS1). Also called: Anesthesia related hyperthermia; Malignant hyperpyrexia; Fulminating hyperpyrexia; Pharmacogenic myopathy; RYR1-Related Malignant Hyperthermia Susceptibility; Malignant hyperthermia suceptibility 1. Identifiers: Orphanet 423, MedGen C2930980, MONDO:0007783, OMIM 145600.

Allele frequency attached by ClinVar (database versions not stated): gnomAD exomes below 0.00001; ExAC 0.00001.
gnomAD v4.1: 3 of 1,614,116 alleles (0.00019%); highest among the groups gnomAD compares: East Asian, 0.0022%; no homozygotes.

Submission:

All of Us Research Program, National Institutes of Health
Classification: Uncertain significance for Malignant hyperthermia, susceptibility to, 1. Last evaluated: 2023-08-15. Review status: criteria provided, single submitter. Criteria: ACMG Guidelines, 2015. Collection method: clinical testing. Allele origin: germline. Inheritance: Autosomal dominant inheritance. Observed: 1 variant allele, 1 heterozygote.
Comment: This missense variant replaces arginine with glutamine at codon 3629 of the RYR1 protein. Computational prediction is inconclusive regarding the impact of this variant on protein structure and function (internally defined REVEL score threshold 0.5 < inconclusive < 0.7, PMID: 27666373). To our knowledge, functional studies have not been reported for this variant. This variant has not been reported in individuals affected with RYR1-related disorders in the literature. This variant has been identified in 3/251466 chromosomes in the general population by the Genome Aggregation Database (gnomAD). The available evidence is insufficient to determine the role of this variant in disease conclusively. Therefore, this variant is classified as a Variant of Uncertain Significance.

This study involves interpretation of variants in research participants for the purpose of population health screening. Participant phenotype was not available at the time of variant classification. Additional details can be found in publication PMID: 35346344, PMCID: PMC8962531

NM_000540.3(RYR1):c.10886G>A (p.Arg3629Gln)

Gene: RYR1 (ryanodine receptor 1; plus strand). Cytogenetic location: 19q13.2.
Variant type: single nucleotide variant.
Coding change: c.10886G>A on transcript NM_000540.3 (MANE Select); coding-DNA position 10886, G replaced by A.
Protein change: p.Arg3629Gln; replaces arginine 3629 with glutamine.
Molecular consequence: missense variant.
Genome position (GRCh38, 1-based): chr19:38,528,367, G>A. VCF-style: chr19-38528367-G-A. GRCh37 (hg19) VCF-style: chr19-39019007-G-A.
Other names: c.10871G>A, p.Arg3624Gln (NM_001042723.2); short protein forms R3624Q, R3629Q.
Identifiers: ClinVar variation 3072784 (VCV003072784.1), dbSNP rs779798199, ClinGen allele CA055152.